The following is an entry in ClinVar:

NM_001943.5(DSG2):c.1760C>A (p.Thr587Lys)

Gene: DSG2 (desmoglein 2; plus strand). Cytogenetic location: 18q12.1.
Variant type: single nucleotide variant.
Coding change: c.1760C>A on transcript NM_001943.5 (MANE Select); coding-DNA position 1760, C replaced by A.
Protein change: p.Thr587Lys; replaces threonine 587 with lysine.
Molecular consequence: missense variant.
Genome position (GRCh38, 1-based): chr18:31,538,859, C>A. VCF-style: chr18-31538859-C-A. GRCh37 (hg19) VCF-style: chr18-29118822-C-A.
Other names: short protein forms T587K.
Identifiers: ClinVar variation 1714516 (VCV001714516.5), dbSNP rs2510918979, ClinGen allele CA402137507.

ClinVar aggregate classification (germline): Uncertain significance (1 of 4 stars; one submission).

Conditions:
Arrhythmogenic right ventricular dysplasia 10. Also called: Arrhythmogenic Right Ventricular Dysplasia/Cardiomyopathy10; ARRHYTHMOGENIC RIGHT VENTRICULAR DYSPLASIA, FAMILIAL, 10; Arrhythmogenic right ventricular dysplasia/cardiomyopathy, type 10. Identifiers: MedGen C1857777, MONDO:0012434, OMIM 610193.

Submission:

Labcorp Genetics (formerly Invitae), Labcorp
Classification: Uncertain significance for Arrhythmogenic right ventricular dysplasia 10. Last evaluated: 2022-09-23. Review status: criteria provided, single submitter. Criteria: Invitae Variant Classification Sherloc (09022015). Collection method: clinical testing. Allele origin: germline.
Comment: This variant is not present in population databases (gnomAD no frequency). This variant has not been reported in the literature in individuals affected with DSG2-related conditions. Advanced modeling of protein sequence and biophysical properties (such as structural, functional, and spatial information, amino acid conservation, physicochemical variation, residue mobility, and thermodynamic stability) performed at Invitae indicates that this missense variant is not expected to disrupt DSG2 protein function. In summary, the available evidence is currently insufficient to determine the role of this variant in disease. Therefore, it has been classified as a Variant of Uncertain Significance. This sequence change replaces threonine, which is neutral and polar, with lysine, which is basic and polar, at codon 587 of the DSG2 protein (p.Thr587Lys).